The following is an entry in ClinVar:

ClinVar aggregate classification (germline): Conflicting classifications of pathogenicity. Review status: criteria provided, conflicting classifications (1 of 4 stars). 7 submissions from 7 submitters: Uncertain significance (1); Benign (6). Last evaluated 2026-02-04.

Conditions:
Autosomal recessive nonsyndromic hearing loss 59. Identifiers: Orphanet 90636, MedGen C1857744, MONDO:0012445, OMIM 610220.

Allele frequency attached by ClinVar (database versions not stated): 1000 Genomes Project 0.02875; 1000 Genomes Project 30x 0.02936; ESP Exome Variant Server 0.06307.
gnomAD v4.1: 112,541 of 1,613,510 alleles (7%); highest among the groups gnomAD compares: Non-Finnish European, 8.2%; 4,575 homozygotes.

Submissions (7):

Labcorp Genetics (formerly Invitae), Labcorp
Classification: Benign. Last evaluated: 2026-02-04. Review status: criteria provided, single submitter. Criteria: Invitae Variant Classification Sherloc (09022015). Collection method: clinical testing. Allele origin: germline.

Genome-Nilou Lab
Classification: Benign for Autosomal recessive nonsyndromic hearing loss 59. Last evaluated: 2021-07-30. Review status: criteria provided, single submitter. Criteria: ACMG Guidelines, 2015. Collection method: clinical testing. Allele origin: germline. Affected: no.

Mayo Clinic Laboratories, Mayo Clinic
Classification: Benign. Last evaluated: 2020-12-09. Review status: criteria provided, single submitter. Criteria: ACMG Guidelines, 2015. Collection method: clinical testing. Allele origin: germline. Observed: 13 variant alleles.

GeneDx
Classification: Benign. Last evaluated: 2017-05-09. Review status: criteria provided, single submitter. Criteria: GeneDx Variant Classification (06012015). Collection method: clinical testing. Allele origin: germline. Affected: yes.
Comment: This variant is considered likely benign or benign based on one or more of the following criteria: it is a conservative change, it occurs at a poorly conserved position in the protein, it is predicted to be benign by multiple in silico algorithms, and/or has population frequency not consistent with disease.

Illumina Laboratory Services, Illumina
Classification: Uncertain significance for Autosomal recessive nonsyndromic hearing loss 59. Last evaluated: 2017-04-27. Review status: criteria provided, single submitter. Criteria: ICSL Variant Classification Criteria 13 December 2019. Collection method: clinical testing. Allele origin: germline.

Laboratory for Molecular Medicine, Mass General Brigham Personalized Medicine
Classification: Benign. Last evaluated: 2011-04-26. Review status: criteria provided, single submitter. Criteria: LMM Criteria. Collection method: clinical testing. Allele origin: germline. Observed: 197 variant alleles.
Comment: The Arg265Cys variant in DFNB59 is not expected to have clinical significance du e to its equal occurrence in probands and controls (Hashemzadeh-Chaleshtori 2007 , dbSNP-rs17304212).

PreventionGenetics, part of Exact Sciences
Classification: Benign. Review status: criteria provided, single submitter. Criteria: ACMG Guidelines, 2015. Collection method: clinical testing. Allele origin: germline.

Literature cited by the submitters: PubMed 17718865 (cited by Laboratory for Molecular Medicine, Mass General Brigham Personalized Medicine).

NM_001042702.5(PJVK):c.793C>T (p.Arg265Cys)

Gene: PJVK (pejvakin; plus strand). Cytogenetic location: 2q31.2.
Variant type: single nucleotide variant.
Coding change: c.793C>T on transcript NM_001042702.5 (MANE Select); coding-DNA position 793, C replaced by T.
Protein change: p.Arg265Cys; replaces arginine 265 with cysteine.
Molecular consequence: missense variant.
Genome position (GRCh38, 1-based): chr2:178,461,008, C>T. VCF-style: chr2-178461008-C-T. GRCh37 (hg19) VCF-style: chr2-179325735-C-T.
Other names: c.793C>T (NM_001042702.4); c.802C>T, p.Arg268Cys (NM_001353775.2); c.799C>T, p.Arg267Cys (NM_001353776.2); c.316C>T, p.Arg106Cys (NM_001353777.1, NM_001353778.2); c.793C>T, p.Arg265Cys (NM_001369912.1); short protein forms R265C, R268C, R106C, R267C.
Identifiers: ClinVar variation 43871 (VCV000043871.21), dbSNP rs17304212, ClinGen allele CA133064.
Genomic context (GRCh38, chr2:178,461,008, plus strand): 5'-CTAACACATTTCTTTTCTGTTTTTGTCCTTTTAGATAGAAGAGTGATGGATGTCATTTCT[C>T]GTTCACAGCTTTACTTGGATGATCTTTTTTCTGACTACTATGACAAACCTCTCAGCATGA-3'
Protein context (NP_001036167.1, residues 255-275): RNRRVMDVIS[Arg265Cys]SQLYLDDLFS